The following is an entry in ClinVar:

ClinVar aggregate classification (germline): Likely pathogenic (1 of 4 stars; one submission).

Conditions:
Early-infantile DEE. Also called: Early infantile epileptic encephalopathy; Ohtahara syndrome; Early infantile epileptic encephalopathy with suppression bursts. Identifiers: Orphanet 1934, MedGen C0393706, MONDO:0800491.

Submission:

Labcorp Genetics (formerly Invitae), Labcorp
Classification: Likely pathogenic for Early-infantile DEE. Last evaluated: 2024-06-29. Review status: criteria provided, single submitter. Criteria: Invitae Variant Classification Sherloc (09022015). Collection method: clinical testing. Allele origin: germline.
Comment: This sequence change replaces phenylalanine, which is neutral and non-polar, with leucine, which is neutral and non-polar, at codon 1486 of the SCN1A protein (p.Phe1486Leu). This variant is not present in population databases (gnomAD no frequency). This variant has not been reported in the literature in individuals affected with SCN1A-related conditions. Advanced modeling of protein sequence and biophysical properties (such as structural, functional, and spatial information, amino acid conservation, physicochemical variation, residue mobility, and thermodynamic stability) performed at Invitae indicates that this missense variant is expected to disrupt SCN1A protein function with a positive predictive value of 95%. This variant disrupts the p.Phe1486 amino acid residue in SCN1A. Other variant(s) that disrupt this residue have been determined to be pathogenic (PMID: 30008475). This suggests that this residue is clinically significant, and that variants that disrupt this residue are likely to be disease-causing. In summary, the currently available evidence indicates that the variant is pathogenic, but additional data are needed to prove that conclusively. Therefore, this variant has been classified as Likely Pathogenic.

Literature cited by the submitters: PubMed 30008475.

NM_001165963.4(SCN1A):c.4458C>A (p.Phe1486Leu)

Genes: SCN1A (sodium voltage-gated channel alpha subunit 1; minus strand), LOC102724058 (uncharacterized LOC102724058; plus strand). Cytogenetic location: 2q24.3.
Variant type: single nucleotide variant.
Coding change: c.4458C>A on transcript NM_001165963.4 (MANE Select); coding-DNA position 4458, C replaced by A.
Protein change: p.Phe1486Leu; replaces phenylalanine 1486 with leucine.
Molecular consequence: missense variant. On other transcripts: non-coding transcript variant (1).
Genome position (GRCh38, 1-based): chr2:165,998,056, G>T on the plus strand (C>A on the coding strand, the complement: SCN1A is on the minus strand). VCF-style: chr2-165998056-G-T. GRCh37 (hg19) VCF-style: chr2-166854566-G-T.
Other names: c.4458C>A, p.Phe1486Leu (NM_001202435.3, NM_001353948.2); c.4425C>A, p.Phe1475Leu (NM_001353949.2, NM_001353950.2, NM_001353951.2 and 2 more transcripts); c.4422C>A, p.Phe1474Leu (NM_001353954.2, NM_001353955.2); c.4374C>A, p.Phe1458Leu (NM_001353957.2, NM_001165964.3, NM_001353958.2); c.4371C>A, p.Phe1457Leu (NM_001353960.2); c.2016C>A, p.Phe672Leu (NM_001353961.2); short protein forms F1474L, F672L, F1457L, F1458L, F1475L, F1486L.
Identifiers: ClinVar variation 3634012 (VCV003634012.2).